The following is an entry in ClinVar:

NM_170601.5(SIAE):c.1274A>G (p.Tyr425Cys)

Gene: SIAE (sialic acid acetylesterase; minus strand). Cytogenetic location: 11q24.2.
Variant type: single nucleotide variant.
Coding change: c.1274A>G on transcript NM_170601.5 (MANE Select); coding-DNA position 1274, A replaced by G.
Protein change: p.Tyr425Cys; replaces tyrosine 425 with cysteine.
Molecular consequence: missense variant.
Genome position (GRCh38, 1-based): chr11:124,638,588, T>C on the plus strand (A>G on the coding strand, the complement: SIAE is on the minus strand). VCF-style: chr11-124638588-T-C. GRCh37 (hg19) VCF-style: chr11-124508484-T-C.
Other names: c.1169A>G, p.Tyr390Cys (NM_001199922.2); short protein forms Y390C, Y425C.
Identifiers: ClinVar variation 1373635 (VCV001373635.6), dbSNP rs774599983, ClinGen allele CA6341243.
Genomic context (GRCh38, chr11:124,638,588, plus strand): 5'-GCTGTTCTTCTCACCTCAAATATCTTGTTGTCCTTTTTCTGCACCTGGATTTGCTGGTAA[T>C]ATGTGAGATTGAGCAGCCCCTTGTGAGCCAAGAGTTCTATCTTCTCAGGCAGTGGTCCTT-3'
Protein context (NP_733746.1, residues 415-435): LAHKGLLNLT[Tyr425Cys]YQQIQVQKKD

ClinVar aggregate classification (germline): Uncertain significance (1 of 4 stars; one submission).

Allele frequency attached by ClinVar (database versions not stated): TOPMed below 0.00001; ExAC 0.00001; gnomAD 0.00001; gnomAD exomes 0.00001.

Submission:

Labcorp Genetics (formerly Invitae), Labcorp
Classification: Uncertain significance. Last evaluated: 2022-02-10. Review status: criteria provided, single submitter. Criteria: Invitae Variant Classification Sherloc (09022015). Collection method: clinical testing. Allele origin: germline.
Comment: In summary, the available evidence is currently insufficient to determine the role of this variant in disease. Therefore, it has been classified as a Variant of Uncertain Significance. Algorithms developed to predict the effect of missense changes on protein structure and function (SIFT, PolyPhen-2, Align-GVGD) all suggest that this variant is likely to be disruptive. This variant has not been reported in the literature in individuals affected with SIAE-related conditions. This variant is present in population databases (rs774599983, gnomAD 0.003%). This sequence change replaces tyrosine, which is neutral and polar, with cysteine, which is neutral and slightly polar, at codon 425 of the SIAE protein (p.Tyr425Cys).